The following is an entry in ClinVar:

ClinVar aggregate classification (germline): Uncertain significance (1 of 4 stars; one submission).

Submission:

GeneDx
Classification: Uncertain significance. Last evaluated: 2020-01-24. Review status: criteria provided, single submitter. Criteria: GeneDx Variant Classification Process June 2021. Collection method: clinical testing. Allele origin: germline. Affected: yes.
Comment: Not observed in large population cohorts (Lek et al., 2016); In silico analysis, which includes splice predictors and evolutionary conservation, supports that this variant does not alter protein structure/function; Has not been previously published as pathogenic or benign to our knowledge

NM_007325.5(GRIA3):c.508+4A>C

Gene: GRIA3 (glutamate ionotropic receptor AMPA type subunit 3; plus strand). Cytogenetic location: Xq25.
Variant type: single nucleotide variant.
Coding change: c.508+4A>C on transcript NM_007325.5 (MANE Select); 4 bases into the intron after coding-DNA position 508, A replaced by C.
Molecular consequence: intron variant.
Genome position (GRCh38, 1-based): chrX:123,253,546, A>C. VCF-style: chrX-123253546-A-C. GRCh37 (hg19) VCF-style: chrX-122387397-A-C.
Other names: c.508+4A>C (NM_000828.5).
Identifiers: ClinVar variation 1311581 (VCV001311581.2), dbSNP rs2147282729, ClinGen allele CA2573055092.